The following is an entry in ClinVar:

ClinVar aggregate classification (germline): Pathogenic. Review status: criteria provided, multiple submitters, no conflicts (2 of 4 stars). 18 submissions from 18 submitters: Pathogenic (12). 6 of the submissions do not count toward it. Last evaluated 2025-12-10.

Conditions:
RMND1-related disorder. Also called: RMND1-related condition.
Nephronophthisis. Also called: Juvenile Nephronophthisis. Identifiers: Orphanet 655, MedGen C0687120, MONDO:0019005, HP:0000090.
Mitochondrial oxidative phosphorylation disorder. Identifiers: Orphanet 223713, MedGen C5679825, MONDO:0016387.
Inborn genetic diseases. Identifiers: MedGen C0950123, MeSH D030342.
Combined oxidative phosphorylation defect type 11. Also called: ENCEPHALONEUROMYOPATHY, INFANTILE, DUE TO MITOCHONDRIAL TRANSLATION DEFECT; Combined oxidative phosphorylation deficiency 11. Identifiers: Orphanet 324535, MedGen C5190991, MONDO:0013969, OMIM 614922.
Mitochondrial disease. Also called: Mitochondrial disorder; Mitochondrial disorders. Identifiers: Orphanet 68380, MedGen C0751651, MeSH D028361, MONDO:0044970.

Allele frequency attached by ClinVar (database versions not stated): gnomAD 0.00013 and 0.00024; ExAC 0.00017; gnomAD exomes 0.00020 and 0.00037; TOPMed 0.00033 and 0.00030; ESP Exome Variant Server 0.00039.
gnomAD v4.1: 573 of 1,602,290 alleles (0.036%); highest among the groups gnomAD compares: Non-Finnish European, 0.044%; no homozygotes.

Submissions 1 to 13 of 18:

Labcorp Genetics (formerly Invitae), Labcorp
Classification: Pathogenic. Last evaluated: 2025-12-10. Review status: criteria provided, single submitter. Criteria: Invitae Variant Classification Sherloc (09022015). Collection method: clinical testing. Allele origin: germline.
Comment: This sequence change replaces asparagine, which is neutral and polar, with serine, which is neutral and polar, at codon 238 of the RMND1 protein (p.Asn238Ser). This variant is present in population databases (rs144972972, gnomAD 0.03%). This missense change has been observed in individual(s) with combined oxidative phosphorylation deficiency 11 (PMID: 25604853, 26395190, 31506229, 31568715). In at least one individual the data is consistent with being in trans (on the opposite chromosome) from a pathogenic variant. It has also been observed to segregate with disease in related individuals. ClinVar contains an entry for this variant (Variation ID: 225255). Invitae Evidence Modeling of protein sequence and biophysical properties (such as structural, functional, and spatial information, amino acid conservation, physicochemical variation, residue mobility, and thermodynamic stability) has been performed for this missense variant. However, the output from this modeling did not meet the statistical confidence thresholds required to predict the impact of this variant on RMND1 protein function. Experimental studies have shown that this missense change affects RMND1 function (PMID: 25604853). For these reasons, this variant has been classified as Pathogenic.

Dasa
Classification: Pathogenic. Last evaluated: 2025-09-25. Review status: criteria provided, single submitter. Criteria: DASA Assertion Criteria. Collection method: clinical testing. Allele origin: germline.
Comment: NM_017909.4(RMND1):c.713A>G (p.Asn238Ser) results in an asparagine-to-serine substitution. Functional studies support a deleterious effect (PMID: 25604853). The variant has been recurrently observed in individuals with combined oxidative phosphorylation deficiency and segregates with disease (PMID: 25604853, 26395190). Multiple computational predictions support a deleterious effect on the gene or gene product. Based on the available data, this variant is classified as pathogenic.

Blueprint Genetics
Classification: Pathogenic for RMND1-related disorders. Last evaluated: 2024-05-17. Review status: criteria provided, single submitter. Criteria: ACMG Guidelines, 2015. Collection method: clinical testing. Allele origin: de novo. Affected: yes. Observed: 5 variant alleles.

GeneDx
Classification: Pathogenic. Last evaluated: 2022-07-22. Review status: criteria provided, single submitter. Criteria: GeneDx Variant Classification Process June 2021. Collection method: clinical testing. Allele origin: germline. Affected: yes.
Comment: In silico analysis supports that this missense variant has a deleterious effect on protein structure/function; This variant is associated with the following publications: (PMID: 27412952, 27159321, 28939701, 27350610, 26395190, 25473036, 25058219, 25604853, 27843092, 28844315, 29071585, 29671881, 31506229, 31568715, 32746448)

Women's Health and Genetics/Laboratory Corporation of America, LabCorp
Classification: Pathogenic for Combined oxidative phosphorylation defect type 11. Last evaluated: 2022-06-24. Review status: criteria provided, single submitter. Criteria: LabCorp Variant Classification Summary - May 2015. Collection method: clinical testing. Allele origin: germline.
Comment: Variant summary: RMND1 c.713A>G (p.Asn238Ser) results in a conservative amino acid change located in the Domain of unknown function DUF155 (IPR003734) of the encoded protein sequence. Three of five in-silico tools predict a damaging effect of the variant on protein function. The variant allele was found at a frequency of 0.0002 in 249272 control chromosomes. This frequency does not allow conclusions about variant significance. c.713A>G has been reported in the literature in multiple individuals affected with features of Combined Oxidative Phosphorylation Defect Type 11 ranging from muscle defects, seizures, deafness, and renal tubular acidosis (example, Broenen_2019, Janer_2015). These data indicate that the variant is very likely to be associated with disease. To our knowledge, no experimental evidence demonstrating an impact on protein function has been reported. Nine clinical diagnostic laboratories have submitted clinical-significance assessments for this variant to ClinVar after 2014 without evidence for independent evaluation. Multiple laboratories reported the variant with conflicting assessments. Based on the evidence outlined above, the variant was classified as pathogenic.

Ambry Genetics
Classification: Pathogenic for Inborn genetic diseases. Last evaluated: 2022-05-25. Review status: criteria provided, single submitter. Criteria: Ambry Variant Classification Scheme 2023. Collection method: clinical testing. Allele origin: germline.
Comment: The c.713A>G (p.N238S) alteration is located in exon 5 (coding exon 4) of the RMND1 gene. This alteration results from an A to G substitution at nucleotide position 713, causing the asparagine (N) at amino acid position 238 to be replaced by a serine (S). Based on data from gnomAD, the G allele has an overall frequency of 0.02% (54/280666) total alleles studied. The highest observed frequency was 0.04% (47/128420) of European (non-Finnish) alleles. This alteration was detected in the homozygous state and in conjunction with another alteration in RMND1 in multiple individuals with RMND1-related combined oxidative phosphorylation deficiency (Taylor, 2014; Janer, 2015; Ng, 2016; Gupta, 2016; Vanderver, 2016; Ravn, 2016; van Dieman, 2017; Ulrick, 2017; Demain, 2018; Shayoto, 2019; Broenen, 2019). Experimental studies show that this alteration leads to reduced RMND1 activity in patient-derived cells (Janer, 2015). This amino acid position is highly conserved in available vertebrate species. This alteration is predicted to be tolerated by in silico analysis. Based on the available evidence, this alteration is classified as pathogenic.

Revvity Omics, Revvity
Classification: Pathogenic for Combined oxidative phosphorylation defect type 11. Last evaluated: 2019-09-05. Review status: criteria provided, single submitter. Criteria: ACMG Guidelines, 2015. Collection method: clinical testing. Allele origin: germline.

Mendelics
Classification: Pathogenic for Combined oxidative phosphorylation defect type 11. Last evaluated: 2019-05-28. Review status: criteria provided, single submitter. Criteria: Mendelics Assertion Criteria 2017. Collection method: clinical testing. Allele origin: unknown.

Laboratory for Molecular Medicine, Mass General Brigham Personalized Medicine
Classification: Pathogenic for Mitochondrial oxidative phosphorylation disorder. Last evaluated: 2018-07-17. Review status: criteria provided, single submitter. Criteria: LMM Criteria. Collection method: clinical testing. Allele origin: germline. Inheritance: Autosomal recessive inheritance. Observed: 1 variant allele.
Comment: The p.Asn238Ser variant in RMND1 has been reported in the homozygous or compound heterozygous state in at least 10 individuals with combined oxidative phosphory lation deficiency (Taylor 2014, Janer 2015, Vanderver 2016, Ng 2016, Gupta 2016, Ulrick 2017). In vitro functional studies provide some evidence that the p.Asn2 38Ser variant may impact protein function (Janer 2015); however, these types of assays may not accurately represent biological function. This variant has been i dentified in 0.03% (44/126078) of European chromosomes by the Genome Aggregation Database (gnomAD; dbSNP rs144972972). Althoug h this variant has been seen in the general population, its frequency is low eno ugh to be consistent with a recessive carrier frequency. In summary, this varian t meets criteria to be classified as pathogenic for combined oxidative phosphory lation deficiency in an autosomal recessive manner based upon presence in affect ed individuals, frequency in controls, and functional evidence. ACMG/AMP Criteri a applied: PM3_VeryStrong; PM2_Supporting; PS3_Supporting

Baylor Genetics
Classification: Pathogenic for Combined oxidative phosphorylation defect type 11. Review status: criteria provided, single submitter. Criteria: ACMG Guidelines, 2015. Collection method: clinical testing. Allele origin: unknown.

Clinical Genetics Service, Universitary Hospital 12 de Octubre
Classification: Pathogenic for Combined oxidative phosphorylation defect type 11. Review status: criteria provided, single submitter. Criteria: ACMG Guidelines, 2015. Collection method: clinical testing. Allele origin: germline. Affected: yes.

Laboratoire de Génétique Moléculaire, CHU Bordeaux
Classification: Pathogenic. Review status: criteria provided, single submitter. Criteria: ACMG Guidelines, 2015. Collection method: clinical testing. Allele origin: germline. Affected: yes.

OMIM
Classification: Pathogenic for COMBINED OXIDATIVE PHOSPHORYLATION DEFICIENCY 11. Last evaluated: 2025-05-23. Review status: no assertion criteria provided. Collection method: literature only. Allele origin: germline. Not counted in ClinVar's aggregate classification.

NM_017909.4(RMND1):c.713A>G (p.Asn238Ser)

Gene: RMND1 (required for meiotic nuclear division 1 homolog; minus strand). Cytogenetic location: 6q25.1.
Variant type: single nucleotide variant.
Coding change: c.713A>G on transcript NM_017909.4 (MANE Select); coding-DNA position 713, A replaced by G.
Protein change: p.Asn238Ser; replaces asparagine 238 with serine.
Molecular consequence: missense variant.
Genome position (GRCh38, 1-based): chr6:151,430,154, T>C on the plus strand (A>G on the coding strand, the complement: RMND1 is on the minus strand). VCF-style: chr6-151430154-T-C. GRCh37 (hg19) VCF-style: chr6-151751289-T-C.
Other names: RMND1, ASN238SER (rs144972972); c.203A>G, p.Asn68Ser (NM_001271937.2); short protein forms N238S, N68S.
Identifiers: ClinVar variation 225255 (VCV000225255.40), dbSNP rs144972972, ClinGen allele CA048459.
Genomic context (GRCh38, chr6:151,430,154, plus strand): 5'-ACAAAACTAAATTTTTATATTTTCACATTTTTATTTACACTTACAGTTTTGTCTTTCACA[T>C]TCCAAAACACAGCAGCTCCTTCCCTGATTTAAAAAAATAAAAGAAACAACTAAGATACAG-3'
Protein context (NP_060379.2, residues 228-248): FFREGAAVFW[Asn238Ser]VKDKTMKHVM